The following is an entry in ClinVar:

NM_052947.4(ALPK2):c.2552A>G (p.Asp851Gly)

Gene: ALPK2 (alpha kinase 2; minus strand). Cytogenetic location: 18q21.31.
Variant type: single nucleotide variant.
Coding change: c.2552A>G on transcript NM_052947.4 (MANE Select); coding-DNA position 2552, A replaced by G.
Protein change: p.Asp851Gly; replaces aspartic acid 851 with glycine.
Molecular consequence: missense variant.
Genome position (GRCh38, 1-based): chr18:58,537,635, T>C on the plus strand (A>G on the coding strand, the complement: ALPK2 is on the minus strand). VCF-style: chr18-58537635-T-C. GRCh37 (hg19) VCF-style: chr18-56204867-T-C.
Other names: short protein forms D851G.
Identifiers: ClinVar variation 1792964 (VCV001792964.2), dbSNP rs1034643931, ClinGen allele CA300927591.

ClinVar aggregate classification (germline): Uncertain significance (1 of 4 stars; one submission).

Allele frequency attached by ClinVar (database versions not stated): TOPMed 0.00001.

Submission:

Ambry Genetics
Classification: Uncertain significance. Last evaluated: 2022-09-17. Review status: criteria provided, single submitter. Criteria: Ambry Variant Classification Scheme 2023. Collection method: clinical testing. Allele origin: germline.
Comment: The p.D851G variant (also known as c.2552A>G), located in coding exon 4 of the ALPK2 gene, results from an A to G substitution at nucleotide position 2552. The aspartic acid at codon 851 is replaced by glycine, an amino acid with similar properties. This amino acid position is conserved. In addition, this alteration is predicted to be tolerated by in silico analysis. Since supporting evidence is limited at this time, the clinical significance of this alteration remains unclear.